The following is an entry in ClinVar:

ClinVar aggregate classification (germline): Uncertain significance (1 of 4 stars; one submission).

Submission:

Labcorp Genetics (formerly Invitae), Labcorp
Classification: Uncertain significance. Last evaluated: 2020-02-25. Review status: criteria provided, single submitter. Criteria: Invitae Variant Classification Sherloc (09022015). Collection method: clinical testing. Allele origin: germline.
Comment: This sequence change replaces alanine with proline at codon 576 of the PITPNM3 protein (p.Ala576Pro). The alanine residue is highly conserved and there is a small physicochemical difference between alanine and proline. This variant is not present in population databases (ExAC no frequency). This variant has not been reported in the literature in individuals with PITPNM3-related conditions. Algorithms developed to predict the effect of missense changes on protein structure and function are either unavailable or do not agree on the potential impact of this missense change (SIFT: "Deleterious"; PolyPhen-2: "Probably Damaging"; Align-GVGD: "Class C0"). In summary, the available evidence is currently insufficient to determine the role of this variant in disease. Therefore, it has been classified as a Variant of Uncertain Significance.

NM_031220.4(PITPNM3):c.1726G>C (p.Ala576Pro)

Gene: PITPNM3 (PITPNM family member 3; minus strand). Cytogenetic location: 17p13.2.
Variant type: single nucleotide variant.
Coding change: c.1726G>C on transcript NM_031220.4 (MANE Select); coding-DNA position 1726, G replaced by C.
Protein change: p.Ala576Pro; replaces alanine 576 with proline.
Molecular consequence: missense variant.
Genome position (GRCh38, 1-based): chr17:6,470,307, C>G on the plus strand (G>C on the coding strand, the complement: PITPNM3 is on the minus strand). VCF-style: chr17-6470307-C-G. GRCh37 (hg19) VCF-style: chr17-6373627-C-G.
Other names: c.1618G>C, p.Ala540Pro (NM_001165966.2); short protein forms A576P, A540P.
Identifiers: ClinVar variation 1041046 (VCV001041046.9), dbSNP rs1387762572, ClinGen allele CA397404631.